The following is an entry in ClinVar:

NM_004187.5(KDM5C):c.3826G>A (p.Glu1276Lys)

Gene: KDM5C (lysine demethylase 5C; minus strand). Cytogenetic location: Xp11.22.
Variant type: single nucleotide variant.
Coding change: c.3826G>A on transcript NM_004187.5 (MANE Select); coding-DNA position 3826, G replaced by A.
Protein change: p.Glu1276Lys; replaces glutamic acid 1276 with lysine.
Molecular consequence: missense variant. On other transcripts: non-coding transcript variant (3).
Genome position (GRCh38, 1-based): chrX:53,194,351, C>T on the plus strand (G>A on the coding strand, the complement: KDM5C is on the minus strand). VCF-style: chrX-53194351-C-T. GRCh37 (hg19) VCF-style: chrX-53223533-C-T.
Other names: c.3826G>A (NM_004187.2); c.3625G>A, p.Glu1209Lys (NM_001146702.2); c.3823G>A, p.Glu1275Lys (NM_001282622.3, NM_001353979.2, NM_001353982.2); c.3826G>A, p.Glu1276Lys (NM_001353978.3, NM_001353981.2, NM_001353984.2); short protein forms E1209K, E1275K, E1276K.
Identifiers: ClinVar variation 1319133 (VCV001319133.5), dbSNP rs2146820727, ClinGen allele CA413107013.

ClinVar aggregate classification (germline): Uncertain significance. Review status: criteria provided, multiple submitters, no conflicts (2 of 4 stars). 3 submissions from 3 submitters: Uncertain significance (3). Last evaluated 2025-07-23.

Conditions:
Inborn genetic diseases. Identifiers: MedGen C0950123, MeSH D030342.

Submissions (3):

GeneDx
Classification: Uncertain significance. Last evaluated: 2025-07-23. Review status: criteria provided, single submitter. Criteria: GeneDx Variant Classification Process June 2021. Collection method: clinical testing. Allele origin: germline. Affected: yes.
Comment: Not observed at significant frequency in large population cohorts (gnomAD); In silico analysis supports that this missense variant has a deleterious effect on protein structure/function; Has not been previously published as pathogenic or benign to our knowledge

Ambry Genetics
Classification: Uncertain significance for Inborn genetic diseases. Last evaluated: 2024-10-17. Review status: criteria provided, single submitter. Criteria: Ambry Variant Classification Scheme 2023. Collection method: clinical testing. Allele origin: germline.
Comment: The c.3826G>A (p.E1276K) alteration is located in exon 23 (coding exon 23) of the KDM5C gene. This alteration results from a G to A substitution at nucleotide position 3826, causing the glutamic acid (E) at amino acid position 1276 to be replaced by a lysine (K). This variant was not reported in population-based cohorts in the Genome Aggregation Database (gnomAD). This alteration was reported as a de novo mosaic occurrence in an individual with astigmatism, nystagmus, intrauterine growth restriction, camptodactyly, microcephaly, and global developmental delay; however, a variant in ATRX was also detected in this individual (DECIPHER). This amino acid position is highly conserved in available vertebrate species. This missense alteration is located in a region that has a low rate of benign missense variation (Lek, 2016; Firth, 2009). The in silico prediction for this alteration is inconclusive. Based on insufficient or conflicting evidence, the clinical significance of this alteration remains unclear.

Institute for Clinical Genetics, University Hospital TU Dresden, University Hospital TU Dresden
Classification: Uncertain significance. Last evaluated: 2021-11-03. Review status: criteria provided, single submitter. Criteria: ACMG Guidelines, 2015. Collection method: clinical testing. Allele origin: germline.